The following is an entry in ClinVar:

ClinVar aggregate classification (germline): Likely benign. Review status: criteria provided, multiple submitters, no conflicts (2 of 4 stars). 2 submissions from 2 submitters: Likely benign (2). Last evaluated 2025-10-29.

Conditions:
Inborn genetic diseases. Identifiers: MedGen C0950123, MeSH D030342.

gnomAD v4.1: 2 of 1,612,250 alleles (0.00012%); highest among the groups gnomAD compares: African/African-American, 0.0027%; no homozygotes.

Submissions (2):

Ambry Genetics
Classification: Likely benign for Inborn genetic diseases. Last evaluated: 2025-10-29. Review status: criteria provided, single submitter. Criteria: Ambry Variant Classification Scheme 2023. Collection method: clinical testing. Allele origin: germline.

GeneDx
Classification: Likely benign. Last evaluated: 2018-10-08. Review status: criteria provided, single submitter. Criteria: GeneDx Variant Classification Process June 2021. Collection method: clinical testing. Allele origin: germline. Affected: yes.
Comment: See Variant Classification Assertion Criteria.

NM_005422.4(TECTA):c.4683G>T (p.Thr1561=)

Genes: TBCEL-TECTA (TBCEL-TECTA readthrough; plus strand), TECTA (tectorin alpha; plus strand). Cytogenetic location: 11q23.3.
Variant type: single nucleotide variant.
Coding change: c.4683G>T on transcript NM_005422.4 (MANE Select); coding-DNA position 4683, G replaced by T.
Protein change: p.Thr1561=; no amino-acid change (threonine 1561 retained).
Molecular consequence: synonymous variant.
Genome position (GRCh38, 1-based): chr11:121,158,218, G>T. VCF-style: chr11-121158218-G-T. GRCh37 (hg19) VCF-style: chr11-121028927-G-T.
Other names: c.5640G>T, p.Thr1880= (NM_001378761.1).
Identifiers: ClinVar variation 3341063 (VCV003341063.2).